The following is an entry in ClinVar:

ClinVar aggregate classification (germline): Uncertain significance. Review status: criteria provided, multiple submitters, no conflicts (2 of 4 stars). 3 submissions from 3 submitters: Uncertain significance (3). Last evaluated 2026-05-01.

Conditions:
Hereditary cancer-predisposing syndrome. Also called: Neoplastic Syndromes, Hereditary; Tumor predisposition; Hereditary neoplastic syndrome; Hereditary Cancer Syndrome. Identifiers: Orphanet 140162, MedGen C0027672, MeSH D009386, MONDO:0015356.
Rhabdoid tumor predisposition syndrome 2 (RTPS2). Identifiers: Orphanet 231108, Orphanet 69077, MedGen C2750074, MONDO:0013224, OMIM 613325.

Submissions (3):

CeGaT Center for Human Genetics Tuebingen
Classification: Uncertain significance. Last evaluated: 2026-05-01. Review status: criteria provided, single submitter. Criteria: CeGaT Center For Human Genetics Tuebingen Variant Classification Criteria Version 2. Collection method: clinical testing. Allele origin: germline. Affected: yes. Observed: 1 variant allele.
Comment: SMARCA4: PM2, PP2, PP3

Labcorp Genetics (formerly Invitae), Labcorp
Classification: Uncertain significance for Rhabdoid tumor predisposition syndrome 2. Last evaluated: 2025-12-17. Review status: criteria provided, single submitter. Criteria: Invitae Variant Classification Sherloc (09022015). Collection method: clinical testing. Allele origin: germline.
Comment: This sequence change replaces arginine, which is basic and polar, with cysteine, which is neutral and slightly polar, at codon 1323 of the SMARCA4 protein (p.Arg1323Cys). This variant is not present in population databases (gnomAD no frequency). This variant has not been reported in the literature in individuals affected with SMARCA4-related conditions. ClinVar contains an entry for this variant (Variation ID: 950453). Invitae Evidence Modeling of protein sequence and biophysical properties (such as structural, functional, and spatial information, amino acid conservation, physicochemical variation, residue mobility, and thermodynamic stability) indicates that this missense variant is expected to disrupt SMARCA4 protein function with a positive predictive value of 95%. In summary, the available evidence is currently insufficient to determine the role of this variant in disease. Therefore, it has been classified as a Variant of Uncertain Significance.

Ambry Genetics
Classification: Uncertain significance for Hereditary cancer-predisposing syndrome. Last evaluated: 2025-06-27. Review status: criteria provided, single submitter. Criteria: Ambry Variant Classification Scheme 2023. Collection method: clinical testing. Allele origin: germline.
Comment: The p.R1323C variant (also known as c.3967C>T), located in coding exon 28 of the SMARCA4 gene, results from a C to T substitution at nucleotide position 3967. The arginine at codon 1323 is replaced by cysteine, an amino acid with highly dissimilar properties. This amino acid position is highly conserved in available vertebrate species. In addition, this alteration is predicted to be deleterious by in silico analysis. Based on the available evidence, the clinical significance of this variant remains unclear.

NM_003072.5(SMARCA4):c.3967C>T (p.Arg1323Cys)

Gene: SMARCA4 (SWI/SNF related BAF chromatin remodeling complex subunit ATPase 4; plus strand). Cytogenetic location: 19p13.2.
Variant type: single nucleotide variant.
Coding change: c.3967C>T on transcript NM_003072.5 (MANE Select); coding-DNA position 3967, C replaced by T.
Protein change: p.Arg1323Cys; replaces arginine 1323 with cysteine.
Molecular consequence: missense variant. On other transcripts: non-coding transcript variant (1).
Genome position (GRCh38, 1-based): chr19:11,034,929, C>T. VCF-style: chr19-11034929-C-T. GRCh37 (hg19) VCF-style: chr19-11145605-C-T.
Other names: c.3967C>T, p.Arg1323Cys (NM_001128844.3, NM_001128849.3); c.3868C>T, p.Arg1290Cys (NM_001128845.2, NM_001128846.2, NM_001128847.4 and 2 more transcripts); short protein forms R1290C, R1323C.
Identifiers: ClinVar variation 950453 (VCV000950453.15), dbSNP rs867953095, ClinGen allele CA404068016.